The following is an entry in ClinVar:

ClinVar aggregate classification (germline): Uncertain significance (1 of 4 stars; one submission).

Submission:

Labcorp Genetics (formerly Invitae), Labcorp
Classification: Uncertain significance. Last evaluated: 2025-07-28. Review status: criteria provided, single submitter. Criteria: Invitae Variant Classification Sherloc (09022015). Collection method: clinical testing. Allele origin: germline.
Comment: This sequence change replaces alanine, which is neutral and non-polar, with valine, which is neutral and non-polar, at codon 99 of the IHH protein (p.Ala99Val). This variant is not present in population databases (gnomAD no frequency). This variant has not been reported in the literature in individuals affected with IHH-related conditions. Invitae Evidence Modeling of protein sequence and biophysical properties (such as structural, functional, and spatial information, amino acid conservation, physicochemical variation, residue mobility, and thermodynamic stability) indicates that this missense variant is expected to disrupt IHH protein function with a positive predictive value of 80%. In summary, the available evidence is currently insufficient to determine the role of this variant in disease. Therefore, it has been classified as a Variant of Uncertain Significance.

NM_002181.4(IHH):c.296C>T (p.Ala99Val)

Gene: IHH (Indian hedgehog signaling molecule; minus strand). Cytogenetic location: 2q35.
Variant type: single nucleotide variant.
Coding change: c.296C>T on transcript NM_002181.4 (MANE Select); coding-DNA position 296, C replaced by T.
Protein change: p.Ala99Val; replaces alanine 99 with valine.
Molecular consequence: missense variant.
Genome position (GRCh38, 1-based): chr2:219,060,172, G>A on the plus strand (C>T on the coding strand, the complement: IHH is on the minus strand). VCF-style: chr2-219060172-G-A. GRCh37 (hg19) VCF-style: chr2-219924894-G-A.
Other names: short protein forms A99V.
Identifiers: ClinVar variation 4771795 (VCV004771795.1).